The following is an entry in ClinVar:

ClinVar aggregate classification (germline): Uncertain significance. Review status: criteria provided, multiple submitters, no conflicts (2 of 4 stars). 2 submissions from 2 submitters: Uncertain significance (2). Last evaluated 2024-04-27.

Conditions:
Hereditary cancer-predisposing syndrome. Also called: Neoplastic Syndromes, Hereditary; Hereditary Cancer Syndrome; Hereditary neoplastic syndrome; Tumor predisposition. Identifiers: Orphanet 140162, MedGen C0027672, MeSH D009386, MONDO:0015356.

Allele frequency attached by ClinVar (database versions not stated): gnomAD exomes below 0.00001.
gnomAD v4.1: 1 of 1,613,886 alleles (0.000062%); highest among the groups gnomAD compares: Non-Finnish European, 0.000085%; no homozygotes.

Submissions (2):

Ambry Genetics
Classification: Uncertain significance for Hereditary cancer-predisposing syndrome. Last evaluated: 2024-04-27. Review status: criteria provided, single submitter. Criteria: Ambry Variant Classification Scheme 2023. Collection method: clinical testing. Allele origin: germline.
Comment: The p.G97S variant (also known as c.289G>A), located in coding exon 3 of the FH gene, results from a G to A substitution at nucleotide position 289. The glycine at codon 97 is replaced by serine, an amino acid with similar properties. This amino acid position is conserved. In addition, this alteration is predicted to be deleterious by in silico analysis. Based on the available evidence, the clinical significance of this variant remains unclear.

Labcorp Genetics (formerly Invitae), Labcorp
Classification: Uncertain significance. Last evaluated: 2022-12-13. Review status: criteria provided, single submitter. Criteria: Invitae Variant Classification Sherloc (09022015). Collection method: clinical testing. Allele origin: germline.
Comment: In summary, the available evidence is currently insufficient to determine the role of this variant in disease. Therefore, it has been classified as a Variant of Uncertain Significance. Advanced modeling of protein sequence and biophysical properties (such as structural, functional, and spatial information, amino acid conservation, physicochemical variation, residue mobility, and thermodynamic stability) performed at Invitae indicates that this missense variant is expected to disrupt FH protein function. This variant has not been reported in the literature in individuals affected with FH-related conditions. This variant is not present in population databases (gnomAD no frequency). This sequence change replaces glycine, which is neutral and non-polar, with serine, which is neutral and polar, at codon 97 of the FH protein (p.Gly97Ser).

NM_000143.4(FH):c.289G>A (p.Gly97Ser)

Gene: FH (fumarate hydratase; minus strand). Cytogenetic location: 1q43.
Variant type: single nucleotide variant.
Coding change: c.289G>A on transcript NM_000143.4 (MANE Select); coding-DNA position 289, G replaced by A.
Protein change: p.Gly97Ser; replaces glycine 97 with serine.
Molecular consequence: missense variant.
Genome position (GRCh38, 1-based): chr1:241,513,692, C>T on the plus strand (G>A on the coding strand, the complement: FH is on the minus strand). VCF-style: chr1-241513692-C-T. GRCh37 (hg19) VCF-style: chr1-241676992-C-T.
Other names: short protein forms G97S.
Identifiers: ClinVar variation 2044482 (VCV002044482.5), dbSNP rs1660147877, ClinGen allele CA345440987.